The following is an entry in ClinVar:

NM_001018113.3(FANCB):c.402A>G (p.Leu134=)

Gene: FANCB (FA complementation group B; minus strand). Cytogenetic location: Xp22.2.
Variant type: single nucleotide variant.
Coding change: c.402A>G on transcript NM_001018113.3 (MANE Select); coding-DNA position 402, A replaced by G.
Protein change: p.Leu134=; no amino-acid change (leucine 134 retained).
Molecular consequence: synonymous variant.
Genome position (GRCh38, 1-based): chrX:14,865,109, T>C on the plus strand (A>G on the coding strand, the complement: FANCB is on the minus strand). VCF-style: chrX-14865109-T-C. GRCh37 (hg19) VCF-style: chrX-14883231-T-C.
Other names: c.402A>G (NM_152633.3); c.402A>G, p.Leu134= (NM_001324162.2, NM_152633.4).
Identifiers: ClinVar variation 368032 (VCV000368032.22), dbSNP rs147260208, ClinGen allele CA10353207.
Genomic context (GRCh38, chrX:14,865,109, plus strand): 5'-AGAGATAAAGAAGAATGCTTTGACATGCCTCCATAAAATTAAAGGGCCATTAAGGACCCT[T>C]AGGCCATCCTTCATCTCATAGCCTAGTTTAAAACTCAAACGCATTTCAAATTTATTAGTA-3'
Protein context (NP_001018123.1, residues 124-144): FKLGYEMKDG[Leu134=]RVLNGPLILW

ClinVar aggregate classification (germline): Benign/Likely benign. Review status: criteria provided, multiple submitters, no conflicts (2 of 4 stars). 7 submissions from 6 submitters: Benign (5); Likely benign (2). Last evaluated 2026-02-03.

Conditions:
History of neurodevelopmental disorder. Identifiers: MedGen C2711754.
Fanconi anemia (FA). Also called: Fanconi's anemia. Identifiers: Orphanet 84, MedGen C0015625, MeSH D005199, MONDO:0019391.
Fanconi anemia complementation group B (FANCB). Also called: FANCB-Related Fanconi Anemia; FANCONI PANCYTOPENIA, TYPE 2. Identifiers: Orphanet 84, MedGen C1845292, MONDO:0010351, OMIM 300514.
VACTERL association, X-linked, with or without hydrocephalus (VACTERLX). Also called: VACTERL-H, X-LINKED; VACTERL Association with Hydrocephalus, X-linked; X-linked VACTERL-H syndrome; VACTERL ASSOCIATION, X-LINKED. Identifiers: Orphanet 3412, MedGen C2931228, MONDO:0010752, OMIM 314390.

Allele frequency attached by ClinVar (database versions not stated): gnomAD exomes 0.00062 and 0.00194; ExAC 0.00239; gnomAD 0.00659 and 0.00701; 1000 Genomes Project 30x 0.00728; TOPMed 0.00737; ESP Exome Variant Server 0.00748; 1000 Genomes Project 0.00768.
gnomAD v4.1: 1,439 of 1,208,183 alleles (0.12%); highest among the groups gnomAD compares: African/African-American, 2.2%; 21 homozygotes.

Submissions (7):

Labcorp Genetics (formerly Invitae), Labcorp
Classification: Benign for Fanconi anemia. Last evaluated: 2026-02-03. Review status: criteria provided, single submitter. Criteria: Invitae Variant Classification Sherloc (09022015). Collection method: clinical testing. Allele origin: germline.

ARUP Laboratories, Molecular Genetics and Genomics, ARUP Laboratories
Classification: Benign for Fanconi anemia complementation group B. Last evaluated: 2023-12-11. Review status: criteria provided, single submitter. Criteria: ARUP Molecular Germline Variant Investigation Process 2024. Collection method: clinical testing. Allele origin: germline.

KCCC/NGS Laboratory, Kuwait Cancer Control Center
Classification: Benign for Fanconi anemia complementation group B. Last evaluated: 2023-07-07. Review status: criteria provided, single submitter. Criteria: ACMG Guidelines, 2015. Collection method: clinical testing. Allele origin: germline. Affected: yes.

Genetic Services Laboratory, University of Chicago
Classification: Benign. Last evaluated: 2021-03-05. Review status: criteria provided, single submitter. Criteria: ACMG Guidelines, 2015. Collection method: clinical testing. Allele origin: germline. Affected: no.

Illumina Laboratory Services, Illumina
Classification: Likely benign for Fanconi anemia complementation group B. Last evaluated: 2017-04-27. Review status: criteria provided, single submitter. Criteria: ICSL Variant Classification Criteria 13 December 2019. Collection method: clinical testing. Allele origin: germline.
Comment: This variant was observed as part of a predisposition screen in an ostensibly healthy population. A literature search was performed for the gene, cDNA change, and amino acid change (where applicable). No publications were found based on this search. Allele frequency data from public databases allowed determination this variant is unlikely to cause disease. Therefore, this variant is classified as likely benign.

Illumina Laboratory Services, Illumina
Classification: Likely benign for VACTERL association with hydrocephaly, X-linked. Last evaluated: 2017-04-27. Review status: criteria provided, single submitter. Criteria: ICSL Variant Classification Criteria 13 December 2019. Collection method: clinical testing. Allele origin: germline.
Comment: the same text as in the submission from Illumina Laboratory Services, Illumina above.

Ambry Genetics
Classification: Benign for History of neurodevelopmental disorder. Last evaluated: 2014-05-16. Review status: criteria provided, single submitter. Criteria: Ambry Autosomal Dominant and X-Linked criteria (10/2015). Collection method: clinical testing. Allele origin: germline. Observed: 1 variant allele.
Comment: General population or subpopulation frequency is too high to be a pathogenic mutation based on disease/syndrome prevalence and penetrance